The following is an entry in ClinVar:

NM_021120.4(DLG3):c.664G>A (p.Glu222Lys)

Gene: DLG3 (discs large MAGUK scaffold protein 3; plus strand). Cytogenetic location: Xq13.1.
Variant type: single nucleotide variant.
Coding change: c.664G>A on transcript NM_021120.4 (MANE Select); coding-DNA position 664, G replaced by A.
Protein change: p.Glu222Lys; replaces glutamic acid 222 with lysine.
Molecular consequence: missense variant.
Genome position (GRCh38, 1-based): chrX:70,449,820, G>A. VCF-style: chrX-70449820-G-A. GRCh37 (hg19) VCF-style: chrX-69669670-G-A.
Other names: c.664G>A (NM_021120.2, NM_021120.3); short protein forms E222K.
Identifiers: ClinVar variation 3337027 (VCV003337027.7).

ClinVar aggregate classification (germline): Uncertain significance. Review status: criteria provided, multiple submitters, no conflicts (2 of 4 stars). 4 submissions from 4 submitters: Uncertain significance (4). Last evaluated 2026-03-01.

Conditions:
Inborn genetic diseases. Identifiers: MedGen C0950123, MeSH D030342.

Submissions (4):

CeGaT Center for Human Genetics Tuebingen
Classification: Uncertain significance. Last evaluated: 2026-03-01. Review status: criteria provided, single submitter. Criteria: CeGaT Center For Human Genetics Tuebingen Variant Classification Criteria Version 2. Collection method: clinical testing. Allele origin: germline. Affected: yes. Observed: 1 variant allele.

GeneDx
Classification: Uncertain significance. Last evaluated: 2025-05-30. Review status: criteria provided, single submitter. Criteria: GeneDx Variant Classification Process June 2021. Collection method: clinical testing. Allele origin: germline. Affected: yes.
Comment: Not observed at significant frequency in large population cohorts (gnomAD); In silico analysis suggests that this missense variant does not alter protein structure/function; Has not been previously published as pathogenic or benign to our knowledge

Ambry Genetics
Classification: Uncertain significance for Inborn genetic diseases. Last evaluated: 2025-05-23. Review status: criteria provided, single submitter. Criteria: Ambry Variant Classification Scheme 2023. Collection method: clinical testing. Allele origin: germline.

Clinical Genetics Laboratory, Skane University Hospital Lund
Classification: Uncertain significance. Last evaluated: 2023-11-01. Review status: criteria provided, single submitter. Criteria: ACMG Guidelines, 2015. Collection method: clinical testing. Allele origin: germline. Affected: yes.